The following is an entry in ClinVar:

NM_006766.5(KAT6A):c.5995G>A (p.Gly1999Arg)

Gene: KAT6A (lysine acetyltransferase 6A; minus strand). Cytogenetic location: 8p11.21.
Variant type: single nucleotide variant.
Coding change: c.5995G>A on transcript NM_006766.5 (MANE Select); coding-DNA position 5995, G replaced by A.
Protein change: p.Gly1999Arg; replaces glycine 1999 with arginine.
Molecular consequence: missense variant.
Genome position (GRCh38, 1-based): chr8:41,932,225, C>T on the plus strand (G>A on the coding strand, the complement: KAT6A is on the minus strand). VCF-style: chr8-41932225-C-T. GRCh37 (hg19) VCF-style: chr8-41789743-C-T.
Other names: short protein forms G1999R.
Identifiers: ClinVar variation 1750920 (VCV001750920.5), dbSNP rs753662262, ClinGen allele CA4729206.

ClinVar aggregate classification (germline): Conflicting classifications of pathogenicity. Review status: criteria provided, conflicting classifications (1 of 4 stars). 2 submissions from 2 submitters: Uncertain significance (1); Likely benign (1). Last evaluated 2023-10-05.

Conditions:
Inborn genetic diseases. Identifiers: MedGen C0950123, MeSH D030342.

Allele frequency attached by ClinVar (database versions not stated): gnomAD exomes below 0.00001; ExAC 0.00001.
gnomAD v4.1: 3 of 1,604,032 alleles (0.00019%); highest among the groups gnomAD compares: Non-Finnish European, 0.00017%; no homozygotes.

Submissions (2):

Labcorp Genetics (formerly Invitae), Labcorp
Classification: Likely benign. Last evaluated: 2023-10-05. Review status: criteria provided, single submitter. Criteria: Invitae Variant Classification Sherloc (09022015). Collection method: clinical testing. Allele origin: germline.

Ambry Genetics
Classification: Uncertain significance for Inborn genetic diseases. Last evaluated: 2018-06-12. Review status: criteria provided, single submitter. Criteria: Ambry Variant Classification Scheme 2023. Collection method: clinical testing. Allele origin: germline.
Comment: The p.G1999R variant (also known as c.5995G>A), located in coding exon 16 of the KAT6A gene, results from a G to A substitution at nucleotide position 5995. The glycine at codon 1999 is replaced by arginine, an amino acid with dissimilar properties. This amino acid position is highly conserved in available vertebrate species. In addition, this alteration is predicted to be deleterious by in silico analysis. Since supporting evidence is limited at this time, the clinical significance of this alteration remains unclear.